The following is an entry in ClinVar:

NM_001253697.2(ERBIN):c.3445A>G (p.Ile1149Val)

Gene: ERBIN (erbb2 interacting protein; plus strand). Cytogenetic location: 5q12.3.
Variant type: single nucleotide variant.
Coding change: c.3445A>G on transcript NM_001253697.2 (MANE Select); coding-DNA position 3445, A replaced by G.
Protein change: p.Ile1149Val; replaces isoleucine 1149 with valine.
Molecular consequence: missense variant.
Genome position (GRCh38, 1-based): chr5:66,054,763, A>G. VCF-style: chr5-66054763-A-G. GRCh37 (hg19) VCF-style: chr5-65350591-A-G.
Other names: c.3445A>G, p.Ile1149Val (NM_001006600.3, NM_001253698.2, NM_001253699.2 and 1 more transcripts); c.3433A>G, p.Ile1145Val (NM_001253701.2); short protein forms I1149V, I1145V.
Identifiers: ClinVar variation 1910188 (VCV001910188.5), dbSNP rs767760184, ClinGen allele CA3286660.

ClinVar aggregate classification (germline): Uncertain significance (1 of 4 stars; one submission).

Allele frequency attached by ClinVar (database versions not stated): gnomAD 0.00001; ExAC 0.00002; TOPMed 0.00003.
gnomAD v4.1: 4 of 1,614,040 alleles (0.00025%); highest among the groups gnomAD compares: African/African-American, 0.0013%; no homozygotes.

Submission:

Labcorp Genetics (formerly Invitae), Labcorp
Classification: Uncertain significance. Last evaluated: 2025-06-22. Review status: criteria provided, single submitter. Criteria: Invitae Variant Classification Sherloc (09022015). Collection method: clinical testing. Allele origin: germline.
Comment: This sequence change replaces isoleucine, which is neutral and non-polar, with valine, which is neutral and non-polar, at codon 1149 of the ERBIN protein (p.Ile1149Val). This variant is present in population databases (rs767760184, gnomAD 0.006%). This variant has not been reported in the literature in individuals affected with ERBIN-related conditions. ClinVar contains an entry for this variant (Variation ID: 1910188). An algorithm developed to predict the effect of missense changes on protein structure and function outputs the following: PolyPhen-2: "Benign". The valine amino acid residue is found in multiple mammalian species, which suggests that this missense change does not adversely affect protein function. In summary, the available evidence is currently insufficient to determine the role of this variant in disease. Therefore, it has been classified as a Variant of Uncertain Significance.